The following is an entry in ClinVar:

ClinVar aggregate classification (germline): Uncertain significance (1 of 4 stars; one submission).

Conditions:
Hereditary pancreatitis (PCTT). Also called: PRSS1-Related Hereditary Pancreatitis; Hereditary chronic pancreatitis. Identifiers: Orphanet 676, MedGen C0238339, MONDO:0008185, OMIM 167800.

Submission:

Ambry Genetics
Classification: Uncertain significance for Hereditary pancreatitis. Last evaluated: 2024-03-23. Review status: criteria provided, single submitter. Criteria: Ambry Variant Classification Scheme 2023. Collection method: clinical testing. Allele origin: germline.
Comment: The p.T230P variant (also known as c.688A>C), located in coding exon 5 of the PRSS1 gene, results from an A to C substitution at nucleotide position 688. The threonine at codon 230 is replaced by proline, an amino acid with highly similar properties. This amino acid position is conserved. In addition, this alteration is predicted to be deleterious by in silico analysis. Based on the available evidence, the clinical significance of this alteration remains unclear.

NM_002769.5(PRSS1):c.688A>C (p.Thr230Pro)

Genes: PRSS1 (serine protease 1; plus strand), TRB (T cell receptor beta locus; plus strand). Cytogenetic location: 7q34.
Variant type: single nucleotide variant.
Coding change: c.688A>C on transcript NM_002769.5 (MANE Select); coding-DNA position 688, A replaced by C.
Protein change: p.Thr230Pro; replaces threonine 230 with proline.
Molecular consequence: missense variant. On other transcripts: non-coding transcript variant (5).
Genome position (GRCh38, 1-based): chr7:142,752,964, A>C. VCF-style: chr7-142752964-A-C. GRCh37 (hg19) VCF-style: chr7-142460815-A-C.
Other names: short protein forms T230P.
Identifiers: ClinVar variation 3310637 (VCV003310637.1).